The following is an entry in ClinVar:

ClinVar aggregate classification (germline): Conflicting classifications of pathogenicity. Review status: criteria provided, conflicting classifications (1 of 4 stars). 2 submissions from 1 submitter: Uncertain significance (1); Benign (1). Last evaluated 2018-01-13.

Conditions:
GTP cyclohydrolase I deficiency. Identifiers: MedGen C0268467, MONDO:0100184.
Dystonia 5 (DRD). Also called: DYSTONIA, PROGRESSIVE, WITH DIURNAL VARIATION; DYSTONIA-PARKINSONISM WITH DIURNAL FLUCTUATION; Dystonia, DOPA-responsive, with or without hyperphenylalaninemia; GTP Cyclohydrolase 1-Deficient Dopa-Responsive Dystonia; DYT-GCH1. Identifiers: Orphanet 98808, MedGen C1851920, MONDO:0007495, OMIM 128230.

Allele frequency attached by ClinVar (database versions not stated): TOPMed 0.00001; gnomAD 0.00003; 1000 Genomes Project 30x 0.00031; 1000 Genomes Project 0.00040.
gnomAD v4.1: 160 of 1,359,262 alleles (0.012%); highest among the groups gnomAD compares: East Asian, 0.44%; no homozygotes.

Submissions (2):

Illumina Laboratory Services, Illumina
Classification: Uncertain significance for GTP cyclohydrolase I deficiency with hyperphenylalaninemia. Last evaluated: 2018-01-13. Review status: criteria provided, single submitter. Criteria: ICSL Variant Classification Criteria 13 December 2019. Collection method: clinical testing. Allele origin: germline.

Illumina Laboratory Services, Illumina
Classification: Benign for Dystonia 5. Last evaluated: 2018-01-13. Review status: criteria provided, single submitter. Criteria: ICSL Variant Classification Criteria 13 December 2019. Collection method: clinical testing. Allele origin: germline.
Comment: This variant was observed in the ICSL laboratory as part of a predisposition screen in an ostensibly healthy population. It had not been previously curated by ICSL or reported in the Human Gene Mutation Database (HGMD: prior to June 1st, 2018), and was therefore a candidate for classification through an automated scoring system. Utilizing variant allele frequency, disease prevalence and penetrance estimates, and inheritance mode, an automated score was calculated to assess if this variant is too frequent to cause the disease. Based on the score and internal cut-off values, a variant classified as benign is not then subjected to further curation. The score for this variant resulted in a classification of benign for this disease.

NM_000161.3(GCH1):c.*727A>G

Gene: GCH1 (GTP cyclohydrolase 1; minus strand). Cytogenetic location: 14q22.2.
Variant type: single nucleotide variant.
Coding change: c.*727A>G on transcript NM_000161.3 (MANE Select); 727 bases downstream of the stop codon, A replaced by G.
Molecular consequence: 3 prime UTR variant. On other transcripts: intron variant (3).
Genome position (GRCh38, 1-based): chr14:54,843,290, T>C on the plus strand (A>G on the coding strand, the complement: GCH1 is on the minus strand). VCF-style: chr14-54843290-T-C. GRCh37 (hg19) VCF-style: chr14-55310008-T-C.
Other names: c.627-236A>G (NM_001024071.2); c.*13-236A>G (NM_001024070.2); c.*17-236A>G (NM_001024024.2).
Identifiers: ClinVar variation 313379 (VCV000313379.5), dbSNP rs138578359, ClinGen allele CA10640305.